The following is an entry in ClinVar:

NM_001605.3(AARS1):c.2720A>G (p.Gln907Arg)

Gene: AARS1 (alanyl-tRNA synthetase 1; minus strand). Cytogenetic location: 16q22.1.
Variant type: single nucleotide variant.
Coding change: c.2720A>G on transcript NM_001605.3 (MANE Select); coding-DNA position 2720, A replaced by G.
Protein change: p.Gln907Arg; replaces glutamine 907 with arginine.
Molecular consequence: missense variant.
Genome position (GRCh38, 1-based): chr16:70,253,269, T>C on the plus strand (A>G on the coding strand, the complement: AARS1 is on the minus strand). VCF-style: chr16-70253269-T-C. GRCh37 (hg19) VCF-style: chr16-70287172-T-C.
Other names: short protein forms Q907R.
Identifiers: ClinVar variation 3017172 (VCV003017172.4), dbSNP rs545026332, ClinGen allele CA8140306.

ClinVar aggregate classification (germline): Uncertain significance (1 of 4 stars; one submission).

Conditions:
Charcot-Marie-Tooth disease type 2. Also called: Charcot-Marie-Tooth type 2. Identifiers: Orphanet 64746, MedGen C0270914, MONDO:0018993.

Allele frequency attached by ClinVar (database versions not stated): TOPMed below 0.00001; gnomAD 0.00001; gnomAD exomes 0.00001; ExAC 0.00001; 1000 Genomes Project 30x 0.00016; 1000 Genomes Project 0.00020.
gnomAD v4.1: 8 of 1,611,408 alleles (0.0005%); highest among the groups gnomAD compares: East Asian, 0.016%; no homozygotes.

Submission:

Labcorp Genetics (formerly Invitae), Labcorp
Classification: Uncertain significance for Charcot-Marie-Tooth disease type 2. Last evaluated: 2022-12-25. Review status: criteria provided, single submitter. Criteria: Invitae Variant Classification Sherloc (09022015). Collection method: clinical testing. Allele origin: germline.
Comment: This sequence change replaces glutamine, which is neutral and polar, with arginine, which is basic and polar, at codon 907 of the AARS protein (p.Gln907Arg). This variant is present in population databases (rs545026332, gnomAD 0.006%). This variant has not been reported in the literature in individuals affected with AARS-related conditions. Algorithms developed to predict the effect of missense changes on protein structure and function (SIFT, PolyPhen-2, Align-GVGD) all suggest that this variant is likely to be tolerated. Algorithms developed to predict the effect of sequence changes on RNA splicing suggest that this variant may create or strengthen a splice site. In summary, the available evidence is currently insufficient to determine the role of this variant in disease. Therefore, it has been classified as a Variant of Uncertain Significance.